The following is an entry in ClinVar:

NM_000059.4(BRCA2):c.7631del (p.Gly2544fs)

Gene: BRCA2 (BRCA2 DNA repair associated; plus strand). Cytogenetic location: 13q13.1.
Variant type: Deletion.
Coding change: c.7631del on transcript NM_000059.4 (MANE Select); coding-DNA position 7631, one base deleted (G; older notation c.7631delG).
Protein change: p.Gly2544fs; shifts the reading frame from glycine 2544.
Molecular consequence: frameshift variant.
Genome position (GRCh38, 1-based): chr13:32,357,755, G deleted; the last of 2 consecutive G bases (chr13:32,357,754-32,357,755); deleting either gives the same sequence. VCF-style (leftmost placement, unchanged base first): chr13-32357753-TG-T. GRCh37 (hg19) VCF-style: chr13-32931890-TG-T.
Other names: 7859delG; c.7631delG (NM_000059.3); short protein forms G2544fs.
Identifiers: ClinVar variation 267026 (VCV000267026.9), dbSNP rs886040722, ClinGen allele CA10589442.

ClinVar aggregate classification (germline): Pathogenic. Review status: reviewed by expert panel (3 of 4 stars). 3 submissions from 3 submitters: Pathogenic (1). 2 of the submissions do not count toward it. Last evaluated 2016-10-18.

Conditions:
Breast-ovarian cancer, familial, susceptibility to, 2 (BROVCA2). Also called: BRCA2 Hereditary Breast and Ovarian Cancer. Identifiers: Orphanet 145, MedGen C2675520, MONDO:0012933, OMIM 612555. Disease mechanism: loss of function.
Hereditary cancer-predisposing syndrome. Also called: Hereditary neoplastic syndrome; Neoplastic Syndromes, Hereditary; Tumor predisposition; Hereditary Cancer Syndrome. Identifiers: Orphanet 140162, MedGen C0027672, MeSH D009386, MONDO:0015356.

Submissions (3):

Evidence-based Network for the Interpretation of Germline Mutant Alleles (ENIGMA)
Classification: Pathogenic for Breast-ovarian cancer, familial, susceptibility to, 2. Last evaluated: 2016-10-18. Review status: reviewed by expert panel. Criteria: ENIGMA BRCA1/2 Classification Criteria (2015). Collection method: curation. Allele origin: germline.
Comment: Variant allele predicted to encode a truncated non-functional protein.

Ambry Genetics
Classification: Pathogenic for Hereditary cancer-predisposing syndrome. Last evaluated: 2017-04-17. Review status: criteria provided, single submitter. Criteria: Ambry Variant Classification Scheme 2023. Collection method: clinical testing. Allele origin: germline. Not counted in ClinVar's aggregate classification.
Comment: The c.7631delG pathogenic mutation, located in coding exon 15 of the BRCA2 gene, results from a deletion of one nucleotide at nucleotide position 7631, causing a translational frameshift with a predicted alternate stop codon (p.G2544Afs*7). This mutation has previously been identified in a Portuguese family with hereditary breast and ovarian cancer (HBOC) syndrome (Peixoto A et al. Clin. Genet. 2015 Jul;88:41-8). In addition to the clinical data presented in the literature, this alteration is expected to result in loss of function by premature protein truncation or nonsense-mediated mRNA decay. As such, this alteration is interpreted as a disease-causing mutation.

Consortium of Investigators of Modifiers of BRCA1/2 (CIMBA), c/o University of Cambridge
Classification: Pathogenic for Breast-ovarian cancer, familial, susceptibility to, 2. Last evaluated: 2015-10-02. Review status: criteria provided, single submitter. Criteria: CIMBA Mutation Classification guidelines May 2016. Collection method: clinical testing. Allele origin: germline. Not counted in ClinVar's aggregate classification.

Literature cited by the submitters: PubMed 24916970 (cited by Ambry Genetics).